The following is an entry in ClinVar:

ClinVar aggregate classification (germline): Uncertain significance. Review status: criteria provided, multiple submitters, no conflicts (2 of 4 stars). 2 submissions from 2 submitters: Uncertain significance (2). Last evaluated 2022-03-14.

Conditions:
Ataxia - oculomotor apraxia type 4. Identifiers: Orphanet 459033, MedGen C4225397, MONDO:0014557, OMIM 616267.
Developmental and epileptic encephalopathy, 12 (DEE12). Identifiers: MedGen C3150988, MONDO:0013389, OMIM 613722.

Allele frequency attached by ClinVar (database versions not stated): gnomAD exomes 0.00001.
gnomAD v4.1: 3 of 1,613,160 alleles (0.00019%); highest among the groups gnomAD compares: East Asian, 0.0022%; no homozygotes.

Submissions (2):

Labcorp Genetics (formerly Invitae), Labcorp
Classification: Uncertain significance for Developmental and epileptic encephalopathy, 12. Last evaluated: 2022-03-14. Review status: criteria provided, single submitter. Criteria: Invitae Variant Classification Sherloc (09022015). Collection method: clinical testing. Allele origin: germline.
Comment: This variant has not been reported in the literature in individuals affected with PNKP-related conditions. This variant is not present in population databases (gnomAD no frequency). This sequence change replaces proline, which is neutral and non-polar, with leucine, which is neutral and non-polar, at codon 299 of the PNKP protein (p.Pro299Leu). ClinVar contains an entry for this variant (Variation ID: 1027736). In summary, the available evidence is currently insufficient to determine the role of this variant in disease. Therefore, it has been classified as a Variant of Uncertain Significance. Algorithms developed to predict the effect of missense changes on protein structure and function are either unavailable or do not agree on the potential impact of this missense change (SIFT: "Deleterious"; PolyPhen-2: "Probably Damaging"; Align-GVGD: "Class C15").

Baylor Genetics
Classification: Uncertain significance for Ataxia - oculomotor apraxia type 4. Last evaluated: 2019-12-24. Review status: criteria provided, single submitter. Criteria: ACMG Guidelines, 2015. Collection method: clinical testing. Allele origin: unknown. Affected: yes.
Comment: This variant was determined to be of uncertain significance according to ACMG Guidelines, 2015 [PMID:25741868].

NM_007254.4(PNKP):c.896C>T (p.Pro299Leu)

Gene: PNKP (polynucleotide kinase 3'-phosphatase; minus strand). Cytogenetic location: 19q13.33.
Variant type: single nucleotide variant.
Coding change: c.896C>T on transcript NM_007254.4 (MANE Select); coding-DNA position 896, C replaced by T.
Protein change: p.Pro299Leu; replaces proline 299 with leucine.
Molecular consequence: missense variant.
Genome position (GRCh38, 1-based): chr19:49,862,578, G>A on the plus strand (C>T on the coding strand, the complement: PNKP is on the minus strand). VCF-style: chr19-49862578-G-A. GRCh37 (hg19) VCF-style: chr19-50365835-G-A.
Other names: short protein forms P299L.
Identifiers: ClinVar variation 1027736 (VCV001027736.6), dbSNP rs2074784919, ClinGen allele CA406882018.